The following is an entry in ClinVar:

ClinVar aggregate classification (germline): Pathogenic/Likely pathogenic. Review status: criteria provided, multiple submitters, no conflicts (2 of 4 stars). 2 submissions from 2 submitters: Pathogenic (1); Likely pathogenic (1). Last evaluated 2024-10-15.

Conditions:
Charcot-Marie-Tooth disease type 2. Also called: Charcot-Marie-Tooth type 2. Identifiers: Orphanet 64746, MedGen C0270914, MONDO:0018993.

Allele frequency attached by ClinVar (database versions not stated): TOPMed below 0.00001; ExAC 0.00001; gnomAD exomes 0.00001.
gnomAD v4.1: 7 of 1,614,140 alleles (0.00043%); highest among the groups gnomAD compares: Non-Finnish European, 0.00059%; no homozygotes.

Submissions (3):

Labcorp Genetics (formerly Invitae), Labcorp
Classification: Likely pathogenic for Charcot-Marie-Tooth disease type 2. Last evaluated: 2024-10-15. Review status: criteria provided, single submitter. Criteria: Invitae Variant Classification Sherloc (09022015). Collection method: clinical testing. Allele origin: germline.
Comment: This sequence change affects a donor splice site in intron 15 of the AARS gene. It is expected to disrupt RNA splicing. Variants that disrupt the donor or acceptor splice site typically lead to a loss of protein function (PMID: 16199547), and loss-of-function variants in AARS are known to be pathogenic (PMID: 25817015, 28493438, 34446925). This variant is present in population databases (rs766251338, gnomAD 0.002%). This variant has not been observed in the literature in individuals with autosomal recessive AARS-related conditions. This variant has been reported in individual(s) with autosomal dominant Charcot-Marie-Tooth disease (PMID: 34650302); however, the role of the variant in this condition is currently unclear. ClinVar contains an entry for this variant (Variation ID: 1682159). Algorithms developed to predict the effect of sequence changes on RNA splicing suggest that this variant may disrupt the consensus splice site. In summary, the currently available evidence indicates that the variant is pathogenic, but additional data are needed to prove that conclusively. Therefore, this variant has been classified as Likely Pathogenic.

GeneDx
Classification: Pathogenic. Last evaluated: 2024-07-09. Review status: criteria provided, single submitter. Criteria: GeneDx Variant Classification Process June 2021. Collection method: clinical testing. Allele origin: germline. Affected: yes.
Comment: Canonical splice site variant predicted to result in a null allele in a gene for which loss of function is a known mechanism of disease; Not observed at significant frequency in large population cohorts (gnomAD); This variant is associated with the following publications: (PMID: 34650302, 36278300, 35297556)

Dr. Peter K. Rogan Lab, Western University
No classification provided (evidence only). Condition: Colon adenocarcinoma. Review status: no classification provided. Collection method: in vitro. Allele origin: not applicable. Functional consequence: skipped exon. Not counted in ClinVar's aggregate classification.

Literature cited by the submitters: PubMed 16199547 (cited by Labcorp Genetics (formerly Invitae), Labcorp); PubMed 25817015 (cited by Labcorp Genetics (formerly Invitae), Labcorp); PubMed 28493438 (cited by Labcorp Genetics (formerly Invitae), Labcorp); PubMed 34446925 (cited by Labcorp Genetics (formerly Invitae), Labcorp); PubMed 34650302 (cited by Labcorp Genetics (formerly Invitae), Labcorp).

NM_001605.3(AARS1):c.2177+1G>A

Gene: AARS1 (alanyl-tRNA synthetase 1; minus strand). Cytogenetic location: 16q22.1.
Variant type: single nucleotide variant.
Coding change: c.2177+1G>A on transcript NM_001605.3 (MANE Select); the canonical splice donor site of the intron after coding-DNA position 2177, G replaced by A.
Molecular consequence: splice donor variant.
Genome position (GRCh38, 1-based): chr16:70,258,032, C>T on the plus strand (G>A on the coding strand, the complement: AARS1 is on the minus strand). VCF-style: chr16-70258032-C-T. GRCh37 (hg19) VCF-style: chr16-70291935-C-T.
Identifiers: ClinVar variation 1682159 (VCV001682159.10), dbSNP rs766251338, ClinGen allele CA8140546.